The following is an entry in ClinVar:

ClinVar aggregate classification (germline): Pathogenic. Review status: criteria provided, multiple submitters, no conflicts (2 of 4 stars). 2 submissions from 2 submitters: Pathogenic (2). Last evaluated 2024-11-03.

Conditions:
Hereditary cancer-predisposing syndrome. Also called: Neoplastic Syndromes, Hereditary; Tumor predisposition; Hereditary Cancer Syndrome; Hereditary neoplastic syndrome. Identifiers: Orphanet 140162, MedGen C0027672, MeSH D009386, MONDO:0015356.
BAP1-related tumor predisposition syndrome (TPDS1). Also called: COMMON Syndrome; TUMOR PREDISPOSITION SYNDROME 1; BAP1 tumor predisposition syndrome; Tumor susceptibility linked to germline BAP1 mutations. Identifiers: Orphanet 289539, MedGen C3280492, MONDO:0013692, OMIM 614327.

Submissions (2):

Labcorp Genetics (formerly Invitae), Labcorp
Classification: Pathogenic for BAP1-related tumor predisposition syndrome. Last evaluated: 2024-11-03. Review status: criteria provided, single submitter. Criteria: Invitae Variant Classification Sherloc (09022015). Collection method: clinical testing. Allele origin: germline.
Comment: This sequence change creates a premature translational stop signal (p.Asn363Ilefs*67) in the BAP1 gene. It is expected to result in an absent or disrupted protein product. Loss-of-function variants in BAP1 are known to be pathogenic (PMID: 21874000, 23684012). This variant is not present in population databases (gnomAD no frequency). This variant has not been reported in the literature in individuals affected with BAP1-related conditions. ClinVar contains an entry for this variant (Variation ID: 1788223). RNA analysis performed to evaluate the impact of this premature translational stop signal on mRNA splicing indicates it does not significantly alter splicing (internal data). For these reasons, this variant has been classified as Pathogenic.

Ambry Genetics
Classification: Pathogenic for Hereditary cancer-predisposing syndrome. Last evaluated: 2022-02-28. Review status: criteria provided, single submitter. Criteria: Ambry Variant Classification Scheme 2023. Collection method: clinical testing. Allele origin: germline.
Comment: The c.1088delA pathogenic mutation, located in coding exon 11 of the BAP1 gene, results from a deletion of one nucleotide at nucleotide position 1088, causing a translational frameshift with a predicted alternate stop codon (p.N363Ifs*67). This variant is considered to be rare based on population cohorts in the Genome Aggregation Database (gnomAD). This alteration is expected to result in loss of function by premature protein truncation or nonsense-mediated mRNA decay. As such, this alteration is interpreted as a disease-causing mutation.

Literature cited by the submitters: PubMed 21874000 (cited by Labcorp Genetics (formerly Invitae), Labcorp); PubMed 23684012 (cited by Labcorp Genetics (formerly Invitae), Labcorp).

NM_004656.4(BAP1):c.1088del (p.Asn363fs)

Gene: BAP1 (BRCA1 associated deubiquitinase 1; minus strand). Cytogenetic location: 3p21.1.
Variant type: Deletion.
Coding change: c.1088del on transcript NM_004656.4 (MANE Select); coding-DNA position 1088, one base deleted (A; older notation c.1088delA).
Protein change: p.Asn363fs; shifts the reading frame from asparagine 363.
Molecular consequence: frameshift variant.
Genome position (GRCh38, 1-based): chr3:52,405,138, T deleted on the plus strand (A on the coding strand, the reverse complement: BAP1 is on the minus strand); the first of 2 consecutive T bases (chr3:52,405,138-52,405,139); deleting either gives the same sequence. VCF-style (leftmost placement, unchanged base first): chr3-52405137-AT-A. GRCh37 (hg19) VCF-style: chr3-52439153-AT-A.
Other names: c.1033delA, p.Asn345Ilefs (NM_001410772.1); c.1088delA (NM_004656.2); short protein forms N363fs.
Identifiers: ClinVar variation 1788223 (VCV001788223.4), dbSNP rs2471335834, ClinGen allele CA2580070260.